The following is an entry in ClinVar:

NM_001374353.1(GLI2):c.1633-4C>G

Gene: GLI2 (GLI family zinc finger 2; plus strand). Cytogenetic location: 2q14.2.
Variant type: single nucleotide variant.
Coding change: c.1633-4C>G on transcript NM_001374353.1 (MANE Select); 4 bases into the intron before coding-DNA position 1633, C replaced by G.
Molecular consequence: intron variant.
Genome position (GRCh38, 1-based): chr2:120,984,467, C>G. VCF-style: chr2-120984467-C-G. GRCh37 (hg19) VCF-style: chr2-121742043-C-G.
Other names: c.1684-4C>G (NM_005270.4, NM_001371271.1, NM_005270.5); c.1258-4C>G (NM_001374354.1).
Identifiers: ClinVar variation 1284536 (VCV001284536.17), dbSNP rs377701321, ClinGen allele CA1851993.

ClinVar aggregate classification (germline): Likely benign. Review status: criteria provided, multiple submitters, no conflicts (2 of 4 stars). 7 submissions from 7 submitters: Likely benign (3). 4 of the submissions do not count toward it. Last evaluated 2026-02-04.

Conditions:
GLI2-related disorder. Also called: GLI2-related condition; GLI2-related disorders.
Holoprosencephaly 9 (HPE9). Also called: PITUITARY ANOMALIES WITH HOLOPROSENCEPHALY-LIKE FEATURES; HOLOPROSENCEPHALY WITH MICROPHTHALMIA AND FIRST BRANCHIAL ARCH ANOMALIES. Identifiers: Orphanet 2162, MedGen C1835819, MONDO:0012563, OMIM 610829.
Postaxial polydactyly-anterior pituitary anomalies-facial dysmorphism syndrome. Also called: Culler-Jones syndrome. Identifiers: Orphanet 420584, MedGen C4014479, MONDO:0014369, OMIM 615849.

Allele frequency attached by ClinVar (database versions not stated): TOPMed 0.00003; gnomAD 0.00004 and 0.00005; gnomAD exomes 0.00004 and 0.00006; ExAC 0.00005; ESP Exome Variant Server 0.00015.
gnomAD v4.1: 71 of 1,614,004 alleles (0.0044%); highest among the groups gnomAD compares: Middle Eastern, 0.033%; no homozygotes.

Submissions (7):

Women's Health and Genetics/Laboratory Corporation of America, LabCorp
Classification: Likely benign. Last evaluated: 2026-02-04. Review status: criteria provided, single submitter. Criteria: LabCorp Variant Classification Summary - May 2015. Collection method: clinical testing. Allele origin: germline.
Comment: Variant summary: GLI2 c.1684-4C>G alters a non-conserved nucleotide located at a position not widely known to affect splicing. Consensus agreement among computation tools predict no significant impact on normal splicing. However, these predictions have yet to be confirmed by functional studies. The variant allele was found at a frequency of 5.6e-05 in 250864 control chromosomes. This frequency is not significantly higher than estimated for disease-causing variants in GLI2, allowing no conclusion about variant significance. To our knowledge, no occurrence of c.1684-4C>G in individuals affected with GLI2-related conditions and no experimental evidence demonstrating its impact on protein function have been reported. ClinVar contains an entry for this variant (Variation ID: 1284536). Based on the evidence outlined above, the variant was classified as likely benign.

Labcorp Genetics (formerly Invitae), Labcorp
Classification: Likely benign for Postaxial polydactyly-anterior pituitary anomalies-facial dysmorphism syndrome; Holoprosencephaly 9. Last evaluated: 2025-07-29. Review status: criteria provided, single submitter. Criteria: Invitae Variant Classification Sherloc (09022015). Collection method: clinical testing. Allele origin: germline.

Blueprint Genetics
Classification: Likely benign. Last evaluated: 2024-11-26. Review status: criteria provided, single submitter. Criteria: ACMG Guidelines, 2015. Collection method: clinical testing. Allele origin: germline.

PreventionGenetics, part of Exact Sciences
Classification: Likely benign for GLI2-related condition. Last evaluated: 2023-09-13. Review status: no assertion criteria provided. Collection method: clinical testing. Allele origin: germline. Not counted in ClinVar's aggregate classification.
Comment: This variant is classified as likely benign based on ACMG/AMP sequence variant interpretation guidelines (Richards et al. 2015 PMID: 25741868, with internal and published modifications).

Clinical Genetics DNA and cytogenetics Diagnostics Lab, Erasmus MC, Erasmus Medical Center
Classification: Likely benign. Review status: no assertion criteria provided. Collection method: clinical testing. Allele origin: germline. Affected: yes. Study: VKGL Data-share Consensus. Not counted in ClinVar's aggregate classification.

Clinical Genetics, Academic Medical Center
Classification: Benign. Review status: no assertion criteria provided. Collection method: clinical testing. Allele origin: germline. Affected: yes. Study: VKGL Data-share Consensus. Not counted in ClinVar's aggregate classification.

Joint Genome Diagnostic Labs from Nijmegen and Maastricht, Radboudumc and MUMC+
Classification: Likely benign. Review status: no assertion criteria provided. Collection method: clinical testing. Allele origin: germline. Affected: yes. Study: VKGL Data-share Consensus. Not counted in ClinVar's aggregate classification.